The following is an entry in ClinVar:

ClinVar aggregate classification (germline): Conflicting classifications of pathogenicity. Review status: criteria provided, conflicting classifications (1 of 4 stars). 4 submissions from 4 submitters: Uncertain significance (3); Likely benign (1). Last evaluated 2025-04-09.

Conditions:
Cardiomyopathy (CMYO). Also called: Cardiomyopathies. Identifiers: Orphanet 167848, MedGen C0878544, MONDO:0004994, HP:0001638. Inheritance: Various modes of inheritance.

Allele frequency attached by ClinVar (database versions not stated): gnomAD exomes below 0.00001.

Submissions (4):

Molecular Diagnostic Laboratory for Inherited Cardiovascular Disease, Montreal Heart Institute
Classification: Likely benign. Last evaluated: 2025-04-09. Review status: criteria provided, single submitter. Criteria: ACMG Guidelines, 2015. Collection method: clinical testing. Allele origin: germline. Affected: no.

Blueprint Genetics
Classification: Uncertain significance. Last evaluated: 2024-06-28. Review status: criteria provided, single submitter. Criteria: ACMG Guidelines, 2015. Collection method: clinical testing. Allele origin: germline.

CHEO Genetics Diagnostic Laboratory, Children's Hospital of Eastern Ontario
Classification: Uncertain significance for Cardiomyopathy. Last evaluated: 2017-11-06. Review status: criteria provided, single submitter. Criteria: ACMG Guidelines, 2015. Collection method: clinical testing. Allele origin: germline.

Laboratory for Molecular Medicine, Mass General Brigham Personalized Medicine
Classification: Uncertain significance. Last evaluated: 2013-08-23. Review status: criteria provided, single submitter. Criteria: LMM Criteria. Collection method: clinical testing. Allele origin: germline. Observed: 2 variant alleles.
Comment: The Gly129Arg variant in TTN has not been reported in individuals with cardiomyo pathy or in large population studies. Computational analyses (biochemical amino acid properties, conservation, AlignGVGD, PolyPhen2, and SIFT) suggest that thi s variant may impact the protein, though this information is not predictive enou gh to determine pathogenicity. Additional information is needed to fully assess the clinical significance of the Gly129Arg variant.

NM_001267550.2(TTN):c.385G>A (p.Gly129Arg)

Gene: TTN (titin; minus strand). Cytogenetic location: 2q31.2.
Variant type: single nucleotide variant.
Coding change: c.385G>A on transcript NM_001267550.2 (MANE Select); coding-DNA position 385, G replaced by A.
Protein change: p.Gly129Arg; replaces glycine 129 with arginine.
Molecular consequence: missense variant.
Genome position (GRCh38, 1-based): chr2:178,800,593, C>T on the plus strand (G>A on the coding strand, the complement: TTN is on the minus strand). VCF-style: chr2-178800593-C-T. GRCh37 (hg19) VCF-style: chr2-179665320-C-T.
Other names: c.385G>A, p.Gly129Arg (NM_001256850.1, NM_133378.4, NM_003319.4 and 3 more transcripts); short protein forms G129R.
Identifiers: ClinVar variation 166358 (VCV000166358.9), dbSNP rs727503708, ClinGen allele CA179445.
Genomic context (GRCh38, chr2:178,800,593, plus strand): 5'-CAAGGGAGCTCTGGATTTCGGCTCCATCCCGGTAGAACTTCACCACAGGTGTAGGGATTC[C>T]AGTCACTCTCACTTGGAGTCTCACTTGGCTTCCTTGTCTCACGGTCATGCTCTGCAGTCG-3'
Protein context (NP_001254479.2, residues 119-139): SQVRLQVRVT[Gly129Arg]IPTPVVKFYR